The following is an entry in ClinVar:

ClinVar aggregate classification (germline): Pathogenic. Review status: criteria provided, multiple submitters, no conflicts (2 of 4 stars). 2 submissions from 2 submitters: Pathogenic (2). Last evaluated 2017-10-06.

Conditions:
Hereditary cancer-predisposing syndrome. Also called: Hereditary neoplastic syndrome; Tumor predisposition; Neoplastic Syndromes, Hereditary; Hereditary Cancer Syndrome. Identifiers: Orphanet 140162, MedGen C0027672, MeSH D009386, MONDO:0015356.
Multiple endocrine neoplasia, type 1 (MEN1). Also called: MEN I; Endocrine adenomatosis multiple; MEN 1; WERMER SYNDROME; MEA I. Identifiers: Orphanet 652, MedGen C0025267, MeSH D018761, MONDO:0007540, OMIM 131100.

Submissions (2):

Ambry Genetics
Classification: Pathogenic for Hereditary cancer-predisposing syndrome. Last evaluated: 2017-10-06. Review status: criteria provided, single submitter. Criteria: Ambry Variant Classification Scheme 2023. Collection method: clinical testing. Allele origin: germline.
Comment: The c.1382_1389dupAGGCCGAG pathogenic mutation, located in coding exon 9 of the MEN1 gene, results from a duplication of AGGCCGAG at nucleotide position 1382, causing a translational frameshift with a predicted alternate stop codon (p.A464Rfs*98). This same 8 base pair duplication, referred to as "fs 96 aa X", was detected in 1 of 34 unrelated MEN1 probands (Turner JJ, J. Clin. Endocrinol. Metab. 2002 Jun; 87(6):2688-93). This alteration is expected to result in loss of function by premature protein truncation. As such, this alteration is interpreted as a disease-causing mutation.

Labcorp Genetics (formerly Invitae), Labcorp
Classification: Pathogenic for Multiple endocrine neoplasia, type 1. Last evaluated: 2017-08-30. Review status: criteria provided, single submitter. Criteria: Invitae Variant Classification Sherloc (09022015). Collection method: clinical testing. Allele origin: germline.
Comment: This sequence change results in a premature translational stop signal in the MEN1 gene (p.Ala464Argfs*98). While this is not anticipated to result in nonsense mediated decay, it is expected to disrupt the last 147 amino acids of the MEN1 protein. For these reasons, this variant has been classified as Pathogenic. This frameshift disrupts the functionally conserved nuclear localization signal of the MEN1 protein. Experimental studies have shown that disruption of this region abrogates the ability of MEN1 to bind DNA, regulate target gene expression, and inhibit cell proliferation (PMID: 15331604, 16449969). In addition, a different frameshift variant (p.Arg516Glyfs*43) with a premature termination codon downstream of this frameshift has been reported to be a common cause of multiple endocrine neoplasia type 1 (PMID: 17879353) This variant has been reported in an individual affected with multiple endocrine neoplasia type 1 (PMID: 12050235). ClinVar contains an entry for this variant (Variation ID: 428075). This variant is not present in population databases (ExAC no frequency).

Literature cited by the submitters: PubMed 12050235 (cited by Ambry Genetics and Labcorp Genetics (formerly Invitae), Labcorp); PubMed 15331604 (cited by Labcorp Genetics (formerly Invitae), Labcorp); PubMed 16449969 (cited by Labcorp Genetics (formerly Invitae), Labcorp); PubMed 17879353 (cited by Labcorp Genetics (formerly Invitae), Labcorp).

NM_001370259.2(MEN1):c.1382_1389dup (p.Ala464fs)

Gene: MEN1 (menin 1; minus strand). Cytogenetic location: 11q13.1.
Variant type: Duplication.
Coding change: c.1382_1389dup on transcript NM_001370259.2 (MANE Select); coding-DNA positions 1382 to 1389, 8 bases duplicated (AGGCCGAG; older notation c.1382_1389dupAGGCCGAG).
Protein change: p.Ala464fs; shifts the reading frame from alanine 464.
Molecular consequence: frameshift variant.
Genome position (GRCh38, 1-based): chr11:64,804,778-64,804,785, CTCGGCCT duplicated on the plus strand (AGGCCGAG on the coding strand, the reverse complement: MEN1 is on the minus strand); duplicating any 8 consecutive bases within chr11:64,804,778-64,804,791 gives the same sequence; the c. name uses the placement nearest the transcript's 3' end. VCF-style (leftmost placement, unchanged base first): chr11-64804777-C-CCTCGGCCT. GRCh37 (hg19) VCF-style: chr11-64572249-C-CCTCGGCCT.
Other names: c.1382_1389dupAGGCCGAG (NM_130799.2); c.1508_1515dup, p.Ala506fs (NM_001370251.2); c.1382_1389dup, p.Ala464fs (NM_001370260.2, NM_001370261.2, NM_130799.3); c.1277_1284dup, p.Ala429fs (NM_001370262.2, NM_001370263.2); c.1397_1404dup, p.Ala469fs (NM_130800.3, NM_130801.3, NM_130802.3 and 3 more transcripts); short protein forms A469fs, A506fs, A429fs, A464fs.
Identifiers: ClinVar variation 428075 (VCV000428075.17), dbSNP rs1114167531, ClinGen allele CA645369558.